The following is an entry in ClinVar:

NM_000096.4(CP):c.2131C>A (p.Gln711Lys)

Gene: CP (ceruloplasmin; minus strand). Cytogenetic location: 3q24.
Variant type: single nucleotide variant.
Coding change: c.2131C>A on transcript NM_000096.4 (MANE Select); coding-DNA position 2131, C replaced by A.
Protein change: p.Gln711Lys; replaces glutamine 711 with lysine.
Molecular consequence: missense variant. On other transcripts: non-coding transcript variant (1).
Genome position (GRCh38, 1-based): chr3:149,185,393, G>T on the plus strand (C>A on the coding strand, the complement: CP is on the minus strand). VCF-style: chr3-149185393-G-T. GRCh37 (hg19) VCF-style: chr3-148903180-G-T.
Other names: Q692K; short protein forms Q711K.
Identifiers: ClinVar variation 42121 (VCV000042121.3), dbSNP rs386134130, ClinGen allele CA344572.

ClinVar aggregate classification (germline): Pathogenic (0 of 4 stars; one submission).

Conditions:
Deficiency of ferroxidase (ACEP). Also called: Deficiency of ceruloplasmin; Aceruloplasminemia; Ceruloplasmin deficiency; Familial apoceruloplasmin deficiency; Hereditary ceruloplasmin deficiency; NEURODEGENERATION WITH BRAIN IRON ACCUMULATION 10. Identifiers: Orphanet 48818, MedGen C0878682, MONDO:0011426, OMIM 604290, HP:0025498.

Submission:

GeneReviews
Classification: Pathogenic for Aceruloplasminemia. Last evaluated: 2013-04-18. Review status: no assertion criteria provided. Collection method: curation. Allele origin: unknown.
ClinVar note: Converted during submission from pathologic to Pathogenic.